The following is an entry in ClinVar:

NM_001378454.1(ALMS1):c.11991G>A (p.Trp3997Ter)

Genes: ALMS1 (ALMS1 centrosome and basal body associated protein; plus strand), LOC126806252 (BRD4-independent group 4 enhancer GRCh37_chr2:73828496-73829695; plus strand). Cytogenetic location: 2p13.1.
Variant type: single nucleotide variant.
Coding change: c.11991G>A on transcript NM_001378454.1 (MANE Select); coding-DNA position 11991, G replaced by A.
Protein change: p.Trp3997Ter; replaces tryptophan 3997 with a stop codon.
Molecular consequence: nonsense.
Genome position (GRCh38, 1-based): chr2:73,601,313, G>A. VCF-style: chr2-73601313-G-A. GRCh37 (hg19) VCF-style: chr2-73828440-G-A.
Other names: c.11994G>A, p.Trp3998Ter (NM_015120.4); short protein forms W3998*, W3997*.
Identifiers: ClinVar variation 489198 (VCV000489198.12), dbSNP rs1553421725, ClinGen allele CA347266231.

ClinVar aggregate classification (germline): Pathogenic/Likely pathogenic. Review status: criteria provided, multiple submitters, no conflicts (2 of 4 stars). 3 submissions from 3 submitters: Pathogenic (2); Likely pathogenic (1). Last evaluated 2025-08-07.

Conditions:
Alstrom syndrome (ALMS). Identifiers: Orphanet 64, MedGen C0268425, MONDO:0008763, OMIM 203800.

Submissions (3):

3billion
Classification: Pathogenic for Alstrom syndrome. Last evaluated: 2025-08-07. Review status: criteria provided, single submitter. Criteria: ACMG Guidelines, 2015. Collection method: clinical testing. Allele origin: germline. Affected: yes.
Comment: The variant is not observed in the gnomAD v4.1.0 dataset. Predicted Consequence/Location: Stop-gained (nonsense): predicted to result in a loss or disruption of normal protein function through nonsense-mediated decay (NMD) or protein truncation. Multiple pathogenic variants are reported downstream of the variant. The variant has been reported at least twice as pathogenic without evidence for the classification (ClinVar ID: VCV000489198). Therefore, this variant is classified as Pathogenic according to the recommendation of ACMG/AMP guideline.

Labcorp Genetics (formerly Invitae), Labcorp
Classification: Pathogenic for Alstrom syndrome. Last evaluated: 2025-02-27. Review status: criteria provided, single submitter. Criteria: Invitae Variant Classification Sherloc (09022015). Collection method: clinical testing. Allele origin: germline.
Comment: This sequence change creates a premature translational stop signal (p.Trp3998*) in the ALMS1 gene. It is expected to result in an absent or disrupted protein product. Loss-of-function variants in ALMS1 are known to be pathogenic (PMID: 17594715). This variant is not present in population databases (gnomAD no frequency). This variant has not been reported in the literature in individuals affected with ALMS1-related conditions. ClinVar contains an entry for this variant (Variation ID: 489198). Algorithms developed to predict the effect of sequence changes on RNA splicing suggest that this variant may disrupt the consensus splice site. For these reasons, this variant has been classified as Pathogenic.

GeneDx
Classification: Likely pathogenic. Last evaluated: 2019-12-03. Review status: criteria provided, single submitter. Criteria: GeneDx Variant Classification Process June 2021. Collection method: clinical testing. Allele origin: germline. Affected: yes.
Comment: Has not been previously published as pathogenic or benign to our knowledge; Not observed in large population cohorts (Lek et al., 2016); Nonsense variant predicted to result in protein truncation or nonsense mediated decay in a gene for which loss-of-function is a known mechanism of disease

Literature cited by the submitters: PubMed 17594715 (cited by Labcorp Genetics (formerly Invitae), Labcorp).